The following is an entry in ClinVar:

NM_002907.4(RECQL):c.1082C>A (p.Ser361Ter)

Gene: RECQL (RecQ like helicase; minus strand). Cytogenetic location: 12p12.1.
Variant type: single nucleotide variant.
Coding change: c.1082C>A on transcript NM_002907.4 (MANE Select); coding-DNA position 1082, C replaced by A.
Protein change: p.Ser361Ter; replaces serine 361 with a stop codon.
Molecular consequence: nonsense.
Genome position (GRCh38, 1-based): chr12:21,475,692, G>T on the plus strand (C>A on the coding strand, the complement: RECQL is on the minus strand). VCF-style: chr12-21475692-G-T. GRCh37 (hg19) VCF-style: chr12-21628626-G-T.
Other names: c.1082C>A, p.Ser361Ter (NM_032941.3); short protein forms S361*.
Identifiers: ClinVar variation 2581010 (VCV002581010.1), dbSNP rs2137339472, ClinGen allele CA384121137.
Genomic context (GRCh38, chr12:21,475,692, plus strand): 5'-ATTTTAAAGGTAAATTAGGCTTCTATGGAAGATATAGACCTAACCTGAATTTCATTGGCT[G>T]ACCATTTTCTATGAACTGTGGTCTTATCTTCTGGCTCCAAATTGGCATGGTAAGCACCTG-3'

ClinVar aggregate classification (germline): Likely pathogenic (1 of 4 stars; one submission).

Submission:

Dr. med. U. Finckh, Human Genetics, Eurofins MVZ
Classification: Likely pathogenic. Last evaluated: 2023-08-09. Review status: criteria provided, single submitter. Criteria: ACMG Guidelines, 2015. Collection method: clinical testing. Allele origin: unknown. Observed: 1 heterozygote.
Comment: The variant confers a premature stop codon expected to lead to a non-functional gene product. It is not present in gnomAD. A recent paper (PMID 35025765) reports on a recessive genome instability disorder in two families caused by a RECQL missense variant that was assumed to impair RECQL function by experimental analysis. We classify the variant as likely pathogenic for recessive disease although evidence is limited at this timepoint and more information is needed to draw a definite conclusion. The association of monoallelic RECQL loss-of-function variants with elevated breast cancer risk has been disputed and is not supported at this timepoint.